The following is an entry in ClinVar:

ClinVar aggregate classification (germline): Uncertain significance (1 of 4 stars; one submission).

Conditions:
Drash syndrome (DDS). Also called: WILMS TUMOR AND PSEUDO- OR TRUE HERMAPHRODITISM; NEPHROPATHY, WILMS TUMOR, AND GENITAL ANOMALIES. Identifiers: Orphanet 220, MedGen C0950121, MONDO:0008682, OMIM 194080.
Frasier syndrome. Identifiers: Orphanet 347, MedGen C0950122, MeSH D052159, MONDO:0007635, OMIM 136680.
Wilms tumor 1 (WT1). Also called: Wilms tumor, somatic. Identifiers: Orphanet 654, MedGen CN033288, MONDO:0008679, OMIM 194070.
11p partial monosomy syndrome (WAGR). Also called: WAGR Complex; CHROMOSOME 11p13 DELETION SYNDROME; WAGR syndrome; WAGR Spectrum Disorder. Identifiers: Orphanet 893, MedGen C0206115, MONDO:0008681, OMIM 194072.

Submission:

Labcorp Genetics (formerly Invitae), Labcorp
Classification: Uncertain significance for Wilms tumor 1; Drash syndrome; 11p partial monosomy syndrome; Frasier syndrome. Last evaluated: 2019-03-13. Review status: criteria provided, single submitter. Criteria: Invitae Variant Classification Sherloc (09022015). Collection method: clinical testing. Allele origin: germline.
Comment: Algorithms developed to predict the effect of missense changes on protein structure and function are either unavailable or do not agree on the potential impact of this missense change (SIFT: "Deleterious"; PolyPhen-2: "Benign"; Align-GVGD: "Class C0"). This sequence change replaces proline with serine at codon 128 of the WT1 protein (p.Pro128Ser). The proline residue is moderately conserved and there is a moderate physicochemical difference between proline and serine. The frequency data for this variant in the population databases is considered unreliable, as metrics indicate insufficient coverage at this position in the ExAC database. This variant has not been reported in the literature in individuals with WT1-related conditions. In summary, the available evidence is currently insufficient to determine the role of this variant in disease. Therefore, it has been classified as a Variant of Uncertain Significance.

NM_024426.6(WT1):c.397C>T (p.Pro133Ser)

Genes: WT1 (WT1 transcription factor; minus strand), LOC107982234 (WT1/WT1-AS bi-directional promoter region; plus strand). Cytogenetic location: 11p13.
Variant type: single nucleotide variant.
Coding change: c.397C>T on transcript NM_024426.6 (MANE Select); coding-DNA position 397, C replaced by T.
Protein change: p.Pro133Ser; replaces proline 133 with serine.
Molecular consequence: missense variant. On other transcripts: non-coding transcript variant (1).
Genome position (GRCh38, 1-based): chr11:32,434,964, G>A on the plus strand (C>T on the coding strand, the complement: WT1 is on the minus strand). VCF-style: chr11-32434964-G-A. GRCh37 (hg19) VCF-style: chr11-32456510-G-A.
Other names: c.397C>T, p.Pro133Ser (NM_024424.5, NM_000378.6); short protein forms P133S.
Identifiers: ClinVar variation 839190 (VCV000839190.10), dbSNP rs1202603651, ClinGen allele CA379965782.